The following is an entry in ClinVar:

ClinVar aggregate classification (germline): Uncertain significance (1 of 4 stars; one submission).

Submission:

GeneDx
Classification: Uncertain significance. Last evaluated: 2022-04-21. Review status: criteria provided, single submitter. Criteria: GeneDx Variant Classification Process June 2021. Collection method: clinical testing. Allele origin: germline. Affected: yes.
Comment: Not observed at significant frequency in large population cohorts (gnomAD); In silico analysis supports that this missense variant has a deleterious effect on protein structure/function; Has not been previously published as pathogenic or benign to our knowledge

NM_022489.4(INF2):c.829T>C (p.Ser277Pro)

Gene: INF2 (inverted formin 2; plus strand). Cytogenetic location: 14q32.33.
Variant type: single nucleotide variant.
Coding change: c.829T>C on transcript NM_022489.4 (MANE Select); coding-DNA position 829, T replaced by C.
Protein change: p.Ser277Pro; replaces serine 277 with proline.
Molecular consequence: missense variant.
Genome position (GRCh38, 1-based): chr14:104,706,162, T>C. VCF-style: chr14-104706162-T-C. GRCh37 (hg19) VCF-style: chr14-105172499-T-C.
Other names: c.829T>C, p.Ser277Pro (NM_001031714.4); short protein forms S277P.
Identifiers: ClinVar variation 1800675 (VCV001800675.1), dbSNP rs2541911776, ClinGen allele CA391214155.